The following is an entry in ClinVar:

NM_032776.3(JMJD1C):c.4843A>C (p.Arg1615=)

Gene: JMJD1C (jumonji domain containing 1C; minus strand). Cytogenetic location: 10q21.3.
Variant type: single nucleotide variant.
Coding change: c.4843A>C on transcript NM_032776.3 (MANE Select); coding-DNA position 4843, A replaced by C.
Protein change: p.Arg1615=; no amino-acid change (arginine 1615 retained).
Molecular consequence: synonymous variant. On other transcripts: non-coding transcript variant (1).
Genome position (GRCh38, 1-based): chr10:63,206,826, T>G on the plus strand (A>C on the coding strand, the complement: JMJD1C is on the minus strand). VCF-style: chr10-63206826-T-G. GRCh37 (hg19) VCF-style: chr10-64966586-T-G.
Other names: c.4297A>C, p.Arg1433= (NM_001282948.2, NM_001318154.2); c.3979A>C, p.Arg1327= (NM_001318153.2); c.4729A>C, p.Arg1577= (NM_001322252.2); c.4186A>C, p.Arg1396= (NM_001322254.2, NM_001322258.2); c.4843A>C (NM_032776.2).
Identifiers: ClinVar variation 1121567 (VCV001121567.11), dbSNP rs1846680996, ClinGen allele CA469997639.

ClinVar aggregate classification (germline): Likely benign. Review status: criteria provided, single submitter (1 of 4 stars). 2 submissions from 2 submitters: Likely benign (1). 1 of the submissions does not count toward it. Last evaluated 2024-05-08.

Conditions:
JMJD1C-related disorder. Also called: JMJD1C-related condition.
Early Myoclonic Encephalopathy. Identifiers: MedGen C0270855.

Allele frequency attached by ClinVar (database versions not stated): gnomAD exomes below 0.00001.
gnomAD v4.1: 7 of 1,600,590 alleles (0.00044%); highest among the groups gnomAD compares: East Asian, 0.0045%; no homozygotes.

Submissions (2):

Labcorp Genetics (formerly Invitae), Labcorp
Classification: Likely benign for Early Myoclonic Encephalopathy. Last evaluated: 2024-05-08. Review status: criteria provided, single submitter. Criteria: Invitae Variant Classification Sherloc (09022015). Collection method: clinical testing. Allele origin: germline.

PreventionGenetics, part of Exact Sciences
Classification: Likely benign for JMJD1C-related condition. Last evaluated: 2019-03-26. Review status: no assertion criteria provided. Collection method: clinical testing. Allele origin: germline. Not counted in ClinVar's aggregate classification.
Comment: This variant is classified as likely benign based on ACMG/AMP sequence variant interpretation guidelines (Richards et al. 2015 PMID: 25741868, with internal and published modifications).